The following is an entry in ClinVar:

NM_014254.3(RXYLT1):c.1299del (p.Glu434fs)

Genes: RXYLT1 (ribitol xylosyltransferase 1; plus strand), RXYLT1-AS1 (RXYLT1 antisense RNA 1; minus strand). Cytogenetic location: 12q14.2.
Variant type: Deletion.
Coding change: c.1299del on transcript NM_014254.3 (MANE Select); coding-DNA position 1299, one base deleted (A; older notation c.1299delA).
Protein change: p.Glu434fs; shifts the reading frame from glutamic acid 434.
Molecular consequence: frameshift variant.
Genome position (GRCh38, 1-based): chr12:63,809,059, A deleted. VCF-style (leftmost placement, unchanged base first): chr12-63809058-TA-T. GRCh37 (hg19) VCF-style: chr12-64202838-TA-T.
Other names: c.519del, p.Glu174fs (NM_001278237.2); short protein forms E434fs, E174fs.
Identifiers: ClinVar variation 1979457 (VCV001979457.3), dbSNP rs756646986, ClinGen allele CA6666271.

ClinVar aggregate classification (germline): Uncertain significance (1 of 4 stars; one submission).

Allele frequency attached by ClinVar (database versions not stated): gnomAD exomes below 0.00001; ExAC 0.00001.

Submission:

Labcorp Genetics (formerly Invitae), Labcorp
Classification: Uncertain significance. Last evaluated: 2022-07-29. Review status: criteria provided, single submitter. Criteria: Invitae Variant Classification Sherloc (09022015). Collection method: clinical testing. Allele origin: germline.
Comment: This variant is present in population databases (rs756646986, gnomAD 0.008%). This sequence change creates a premature translational stop signal (p.Glu434Lysfs*5) in the RXYLT1 gene. While this is not anticipated to result in nonsense mediated decay, it is expected to disrupt the last 10 amino acid(s) of the RXYLT1 protein. This variant has not been reported in the literature in individuals affected with RXYLT1-related conditions. In summary, the available evidence is currently insufficient to determine the role of this variant in disease. Therefore, it has been classified as a Variant of Uncertain Significance. Experimental studies and prediction algorithms are not available or were not evaluated, and the functional significance of this variant is currently unknown.